The following is an entry in ClinVar:

ClinVar aggregate classification (germline): Uncertain significance (1 of 4 stars; one submission).

Allele frequency attached by ClinVar (database versions not stated): gnomAD exomes 0.00001; TOPMed 0.00001.
gnomAD v4.1: 9 of 1,613,394 alleles (0.00056%); highest among the groups gnomAD compares: Non-Finnish European, 0.00059%; no homozygotes.

Submission:

Labcorp Genetics (formerly Invitae), Labcorp
Classification: Uncertain significance. Last evaluated: 2023-04-05. Review status: criteria provided, single submitter. Criteria: Invitae Variant Classification Sherloc (09022015). Collection method: clinical testing. Allele origin: germline.
Comment: In summary, the available evidence is currently insufficient to determine the role of this variant in disease. Therefore, it has been classified as a Variant of Uncertain Significance. Advanced modeling of protein sequence and biophysical properties (such as structural, functional, and spatial information, amino acid conservation, physicochemical variation, residue mobility, and thermodynamic stability) performed at Invitae indicates that this missense variant is expected to disrupt FAM161A protein function. ClinVar contains an entry for this variant (Variation ID: 1967775). This variant has not been reported in the literature in individuals affected with FAM161A-related conditions. This variant is present in population databases (no rsID available, gnomAD 0.002%). This sequence change replaces phenylalanine, which is neutral and non-polar, with isoleucine, which is neutral and non-polar, at codon 96 of the FAM161A protein (p.Phe96Ile).

NM_001201543.2(FAM161A):c.286T>A (p.Phe96Ile)

Gene: FAM161A (FAM161 centrosomal protein A; minus strand). Cytogenetic location: 2p15.
Variant type: single nucleotide variant.
Coding change: c.286T>A on transcript NM_001201543.2 (MANE Select); coding-DNA position 286, T replaced by A.
Protein change: p.Phe96Ile; replaces phenylalanine 96 with isoleucine.
Molecular consequence: missense variant. On other transcripts: non-coding transcript variant (1).
Genome position (GRCh38, 1-based): chr2:61,842,258, A>T on the plus strand (T>A on the coding strand, the complement: FAM161A is on the minus strand). VCF-style: chr2-61842258-A-T. GRCh37 (hg19) VCF-style: chr2-62069393-A-T.
Other names: c.286T>A, p.Phe96Ile (NM_032180.3); short protein forms F96I.
Identifiers: ClinVar variation 1967775 (VCV001967775.5), dbSNP rs1467151575, ClinGen allele CA346989522.